The following is an entry in ClinVar:

ClinVar aggregate classification (germline): Benign. Review status: criteria provided, multiple submitters, no conflicts (2 of 4 stars). 2 submissions from 2 submitters: Benign (2). Last evaluated 2018-01-13.

Conditions:
Arterial tortuosity syndrome (ATORS). Identifiers: Orphanet 3342, MedGen C1859726, MONDO:0008818, OMIM 208050.

Allele frequency attached by ClinVar (database versions not stated): gnomAD exomes 0.00454; ExAC 0.00473; ESP Exome Variant Server 0.00684; TOPMed 0.00707; gnomAD 0.00845 and 0.00858; 1000 Genomes Project 30x 0.01062; 1000 Genomes Project 0.01158.
gnomAD v4.1: 4,949 of 1,555,114 alleles (0.32%); highest among the groups gnomAD compares: East Asian, 3.4%; 90 homozygotes.

Submissions (2):

Illumina Laboratory Services, Illumina
Classification: Benign for Arterial tortuosity syndrome. Last evaluated: 2018-01-13. Review status: criteria provided, single submitter. Criteria: ICSL Variant Classification Criteria 13 December 2019. Collection method: clinical testing. Allele origin: germline.
Comment: This variant was observed in the ICSL laboratory as part of a predisposition screen in an ostensibly healthy population. It had not been previously curated by ICSL or reported in the Human Gene Mutation Database (HGMD: prior to June 1st, 2018), and was therefore a candidate for classification through an automated scoring system. Utilizing variant allele frequency, disease prevalence and penetrance estimates, and inheritance mode, an automated score was calculated to assess if this variant is too frequent to cause the disease. Based on the score and internal cut-off values, a variant classified as benign is not then subjected to further curation. The score for this variant resulted in a classification of benign for this disease.

Breakthrough Genomics
Classification: Benign. Review status: criteria provided, single submitter. Criteria: ACMG Guidelines, 2015. Collection method: not provided. Allele origin: germline. Inheritance: Autosomal recessive inheritance. Affected: yes.

NM_030777.4(SLC2A10):c.*50T>C

Gene: SLC2A10 (solute carrier family 2 member 10; plus strand). Cytogenetic location: 20q13.12.
Variant type: single nucleotide variant.
Coding change: c.*50T>C on transcript NM_030777.4 (MANE Select); 50 bases downstream of the stop codon, T replaced by C.
Molecular consequence: 3 prime UTR variant.
Genome position (GRCh38, 1-based): chr20:46,733,884, T>C. VCF-style: chr20-46733884-T-C. GRCh37 (hg19) VCF-style: chr20-45362523-T-C.
Identifiers: ClinVar variation 338600 (VCV000338600.6), dbSNP rs36103903, ClinGen allele CA9892293.
Genomic context (GRCh38, chr20:46,733,884, plus strand): 5'-CGGCCTCCTGAGGAATCCGTCTGCCTGGAAATTCTGGAACTGTGGCTTTGGCAGACCATC[T>C]CCAGCATCCTGCTTCCTAGGCCCCAGAGCACAAGTTCCAGCTGGTCTTTTGGGAGTGGCC-3'